The following is an entry in ClinVar:

ClinVar aggregate classification (germline): Pathogenic (1 of 4 stars; one submission).

Conditions:
Inborn genetic diseases. Identifiers: MedGen C0950123, MeSH D030342.

Submission:

Ambry Genetics
Classification: Pathogenic for Inborn genetic diseases. Last evaluated: 2026-01-14. Review status: criteria provided, single submitter. Criteria: Ambry Variant Classification Scheme 2023. Collection method: clinical testing. Allele origin: germline.
Comment: The c.337_338delAA (p.K113Afs*17) alteration, located in exon 3 (coding exon 3) of the SON gene, consists of a deletion of 2 nucleotides from position 337 to 338, causing a translational frameshift with a predicted alternate stop codon after 17 amino acids. This alteration is expected to result in loss of function by premature protein truncation or nonsense-mediated mRNA decay. This variant was not reported in population-based cohorts in the Genome Aggregation Database (gnomAD). Based on the available evidence, this alteration is classified as pathogenic.

NM_138927.4(SON):c.337_338del (p.Lys113fs)

Gene: SON (SON DNA and RNA binding protein; plus strand). Cytogenetic location: 21q22.11.
Variant type: Deletion.
Coding change: c.337_338del on transcript NM_138927.4 (MANE Select); coding-DNA positions 337 to 338, 2 bases deleted (AA; older notation c.337_338delAA).
Protein change: p.Lys113fs; shifts the reading frame from lysine 113.
Molecular consequence: frameshift variant. On other transcripts: non-coding transcript variant (1), intron variant (1).
Genome position (GRCh38, 1-based): chr21:33,549,568-33,549,569, AA deleted; deleting any 2 consecutive bases within chr21:33,549,565-33,549,569 gives the same sequence; the c. name uses the placement nearest the transcript's 3' end. VCF-style (leftmost placement, unchanged base first): chr21-33549564-TAA-T. GRCh37 (hg19) VCF-style: chr21-34921870-TAA-T.
Other names: c.337_338del, p.Lys113fs (NM_001291411.2, NM_032195.3); c.244+3189_244+3190del (NM_001291412.3); short protein forms K113fs.
Identifiers: ClinVar variation 4838713 (VCV004838713.1).